The following is an entry in ClinVar:

ClinVar aggregate classification (germline): Uncertain significance (1 of 4 stars; one submission).

Conditions:
Spinocerebellar ataxia, autosomal recessive, with axonal neuropathy 2 (SCAN2). Also called: ATAXIA-OCULOMOTOR APRAXIA 2; Ataxia-ocular apraxia-2; Ataxia with Oculomotor Apraxia; Ataxia with Oculomotor Apraxia Type 2. Identifiers: Orphanet 64753, MedGen C1853761, MONDO:0018996, OMIM 606002.
Amyotrophic lateral sclerosis type 4 (ALS4). Also called: AMYOTROPHIC LATERAL SCLEROSIS 4, JUVENILE; NEURONOPATHY, DISTAL HEREDITARY MOTOR, WITH PYRAMIDAL FEATURES. Identifiers: Orphanet 357043, MedGen C1865409, MONDO:0011223, OMIM 602433.

Submission:

Labcorp Genetics (formerly Invitae), Labcorp
Classification: Uncertain significance for Amyotrophic lateral sclerosis type 4; Spinocerebellar ataxia, autosomal recessive, with axonal neuropathy 2. Last evaluated: 2025-08-11. Review status: criteria provided, single submitter. Criteria: Invitae Variant Classification Sherloc (09022015). Collection method: clinical testing. Allele origin: germline.
Comment: This sequence change replaces threonine, which is neutral and polar, with arginine, which is basic and polar, at codon 32 of the SETX protein (p.Thr32Arg). This variant is not present in population databases (gnomAD no frequency). This variant has not been reported in the literature in individuals affected with SETX-related conditions. Invitae Evidence Modeling of protein sequence and biophysical properties (such as structural, functional, and spatial information, amino acid conservation, physicochemical variation, residue mobility, and thermodynamic stability) indicates that this missense variant is not expected to disrupt SETX protein function with a negative predictive value of 95%. In summary, the available evidence is currently insufficient to determine the role of this variant in disease. Therefore, it has been classified as a Variant of Uncertain Significance.

NM_015046.7(SETX):c.95C>G (p.Thr32Arg)

Gene: SETX (senataxin; minus strand). Cytogenetic location: 9q34.13.
Variant type: single nucleotide variant.
Coding change: c.95C>G on transcript NM_015046.7 (MANE Select); coding-DNA position 95, C replaced by G.
Protein change: p.Thr32Arg; replaces threonine 32 with arginine.
Molecular consequence: missense variant.
Genome position (GRCh38, 1-based): chr9:132,349,334, G>C on the plus strand (C>G on the coding strand, the complement: SETX is on the minus strand). VCF-style: chr9-132349334-G-C. GRCh37 (hg19) VCF-style: chr9-135224721-G-C.
Other names: c.95C>G, p.Thr32Arg (NM_001351527.2, NM_001351528.2); short protein forms T32R.
Identifiers: ClinVar variation 4792357 (VCV004792357.1).